The following is an entry in ClinVar:

ClinVar aggregate classification (germline): Uncertain significance (1 of 4 stars; one submission).

Allele frequency attached by ClinVar (database versions not stated): TOPMed 0.00002; ESP Exome Variant Server 0.00008; ExAC 0.00012; gnomAD 0.00015; 1000 Genomes Project 30x 0.00031; 1000 Genomes Project 0.00040.
gnomAD v4.1: 150 of 1,614,200 alleles (0.0093%); highest among the groups gnomAD compares: Non-Finnish European, 0.0032%; no homozygotes.

Submission:

Labcorp Genetics (formerly Invitae), Labcorp
Classification: Uncertain significance. Last evaluated: 2022-07-15. Review status: criteria provided, single submitter. Criteria: Invitae Variant Classification Sherloc (09022015). Collection method: clinical testing. Allele origin: germline.
Comment: In summary, the available evidence is currently insufficient to determine the role of this variant in disease. Therefore, it has been classified as a Variant of Uncertain Significance. Algorithms developed to predict the effect of missense changes on protein structure and function are either unavailable or do not agree on the potential impact of this missense change (SIFT: "Tolerated"; PolyPhen-2: "Possibly Damaging"; Align-GVGD: "Class C0"). This variant has not been reported in the literature in individuals affected with ORC1-related conditions. This variant is present in population databases (rs3087472, gnomAD 0.1%). This sequence change replaces arginine, which is basic and polar, with methionine, which is neutral and non-polar, at codon 441 of the ORC1 protein (p.Arg441Met).

NM_004153.4(ORC1):c.1322G>T (p.Arg441Met)

Gene: ORC1 (origin recognition complex subunit 1; minus strand). Cytogenetic location: 1p32.3.
Variant type: single nucleotide variant.
Coding change: c.1322G>T on transcript NM_004153.4 (MANE Select); coding-DNA position 1322, G replaced by T.
Protein change: p.Arg441Met; replaces arginine 441 with methionine.
Molecular consequence: missense variant.
Genome position (GRCh38, 1-based): chr1:52,388,503, C>A on the plus strand (G>T on the coding strand, the complement: ORC1 is on the minus strand). VCF-style: chr1-52388503-C-A. GRCh37 (hg19) VCF-style: chr1-52854175-C-A.
Other names: c.1322G>T, p.Arg441Met (NM_001190818.2, NM_001190819.2); short protein forms R441M.
Identifiers: ClinVar variation 2084370 (VCV002084370.4), dbSNP rs3087472, ClinGen allele CA853372.